The following is an entry in ClinVar:

ClinVar aggregate classification (germline): Uncertain significance (1 of 4 stars; one submission).

gnomAD v4.1: 28 of 1,613,924 alleles (0.0017%); highest among the groups gnomAD compares: Non-Finnish European, 0.0021%; no homozygotes.

Submission:

Labcorp Genetics (formerly Invitae), Labcorp
Classification: Uncertain significance. Last evaluated: 2025-11-23. Review status: criteria provided, single submitter. Criteria: Invitae Variant Classification Sherloc (09022015). Collection method: clinical testing. Allele origin: germline.
Comment: This sequence change replaces arginine, which is basic and polar, with cysteine, which is neutral and slightly polar, at codon 196 of the EFNA4 protein (p.Arg196Cys). The frequency data for this variant in the population databases is considered unreliable, as metrics indicate poor data quality at this position in the gnomAD database. This variant has not been reported in the literature in individuals affected with EFNA4-related conditions. ClinVar contains an entry for this variant (Variation ID: 3681639). Experimental studies and prediction algorithms are not available or were not evaluated, and the functional significance of this variant is currently unknown. In summary, the available evidence is currently insufficient to determine the role of this variant in disease. Therefore, it has been classified as a Variant of Uncertain Significance.

NM_005227.3(EFNA4):c.586C>T (p.Arg196Cys)

Genes: ADAM15-EFNA4 (ADAM15-EFNA4 readthrough; plus strand), EFNA4 (ephrin A4; plus strand), EFNA4-EFNA3 (EFNA4-EFNA3 readthrough; plus strand). Cytogenetic location: 1q21.3.
Variant type: single nucleotide variant.
Coding change: c.586C>T on transcript NM_005227.3 (MANE Select); coding-DNA position 586, C replaced by T.
Protein change: p.Arg196Cys; replaces arginine 196 with cysteine.
Molecular consequence: missense variant. On other transcripts: non-coding transcript variant (1), intron variant (4).
Genome position (GRCh38, 1-based): chr1:155,068,969, C>T. VCF-style: chr1-155068969-C-T. GRCh37 (hg19) VCF-style: chr1-155041445-C-T.
Other names: c.113+5033C>T (NM_001407761.1); c.242-50C>T (NM_001406810.1); c.470-30C>T (NM_182690.3); c.470-50C>T (NM_182689.2); short protein forms R196C.
Identifiers: ClinVar variation 3681639 (VCV003681639.2).
Genomic context (GRCh38, chr1:155,068,969, plus strand): 5'-CGAGGGGGGGACACTCCCAGCCCCCTCTGTCTCTTGCTATTACTGCTGCTTCTGATTCTT[C>T]GTCTTCTGCGAATTCTGTGAGCCAAGCAGACCTTCCCTCTCATCCCAAGGAGCCAGAGTC-3'
Protein context (NP_005218.1, residues 186-201): LLLLLLLLIL[Arg196Cys]LLRIL